The following is an entry in ClinVar:

ClinVar aggregate classification (germline): Likely benign. Review status: criteria provided, multiple submitters, no conflicts (2 of 4 stars). 2 submissions from 2 submitters: Likely benign (2). Last evaluated 2025-04-25.

Conditions:
ARHGEF10-related disorder. Also called: ARHGEF10-related condition.

Allele frequency attached by ClinVar (database versions not stated): gnomAD 0.00001; ExAC 0.00002; TOPMed 0.00002.
gnomAD v4.1: 24 of 1,613,990 alleles (0.0015%); highest among the groups gnomAD compares: East Asian, 0.022%; no homozygotes.

Submissions (2):

PreventionGenetics, part of Exact Sciences
Classification: Likely benign for ARHGEF10-related condition. Last evaluated: 2025-04-25. Review status: criteria provided, single submitter. Criteria: ACMG Guidelines, 2015. Collection method: clinical testing. Allele origin: germline.
Comment: This variant is classified as likely benign based on ACMG/AMP sequence variant interpretation guidelines (Richards et al. 2015 PMID: 25741868, with internal and published modifications).

Labcorp Genetics (formerly Invitae), Labcorp
Classification: Likely benign. Last evaluated: 2022-04-21. Review status: criteria provided, single submitter. Criteria: Invitae Variant Classification Sherloc (09022015). Collection method: clinical testing. Allele origin: germline.

NM_014629.4(ARHGEF10):c.2116C>T (p.Leu706=)

Gene: ARHGEF10 (Rho guanine nucleotide exchange factor 10; plus strand). Cytogenetic location: 8p23.3.
Variant type: single nucleotide variant.
Coding change: c.2116C>T on transcript NM_014629.4 (MANE Select); coding-DNA position 2116, C replaced by T.
Protein change: p.Leu706=; no amino-acid change (leucine 706 retained).
Molecular consequence: synonymous variant.
Genome position (GRCh38, 1-based): chr8:1,909,443, C>T. VCF-style: chr8-1909443-C-T. GRCh37 (hg19) VCF-style: chr8-1857609-C-T.
Other names: c.2116C>T (NM_014629.3); c.2002C>T, p.Leu668= (NM_001308152.2); c.2116C>T, p.Leu706= (NM_001308153.3).
Identifiers: ClinVar variation 1991174 (VCV001991174.5), dbSNP rs780803629, ClinGen allele CA4600722.